The following is an entry in ClinVar:

NM_001267550.2(TTN):c.102523C>T (p.Arg34175Ter)

Genes: TTN (titin; minus strand), TTN-AS1 (TTN antisense RNA 1; plus strand). Cytogenetic location: 2q31.2.
Variant type: single nucleotide variant.
Coding change: c.102523C>T on transcript NM_001267550.2 (MANE Select); coding-DNA position 102523, C replaced by T.
Protein change: p.Arg34175Ter; replaces arginine 34175 with a stop codon.
Molecular consequence: nonsense.
Genome position (GRCh38, 1-based): chr2:178,534,092, G>A on the plus strand (C>T on the coding strand, the complement: TTN is on the minus strand). VCF-style: chr2-178534092-G-A. GRCh37 (hg19) VCF-style: chr2-179398819-G-A.
Other names: c.97600C>T, p.Arg32534Ter (NM_001256850.1); c.75328C>T, p.Arg25110Ter (NM_003319.4); c.94819C>T, p.Arg31607Ter (NM_133378.4); c.75703C>T, p.Arg25235Ter (NM_133432.3); c.75904C>T, p.Arg25302Ter (NM_133437.4); short protein forms R34175*, R25110*, R25235*, R32534*, R25302*, R31607*.
Identifiers: ClinVar variation 464497 (VCV000464497.20), dbSNP rs752697861, ClinGen allele CA1985742.

ClinVar aggregate classification (germline): Pathogenic/Likely pathogenic. Review status: criteria provided, multiple submitters, no conflicts (2 of 4 stars). 7 submissions from 7 submitters: Pathogenic (4); Likely pathogenic (2). 1 of the submissions does not count toward it. Last evaluated 2026-02-12.

Conditions:
Cardiovascular phenotype. Identifiers: MedGen CN230736.
Autosomal recessive limb-girdle muscular dystrophy type 2J (LGMDR10). Also called: Limb-girdle muscular dystrophy, type 2J; MUSCULAR DYSTROPHY, LIMB-GIRDLE, AUTOSOMAL RECESSIVE 10. Identifiers: Orphanet 140922, MedGen C1837342, MONDO:0012127, OMIM 608807.
Dilated cardiomyopathy 1G (CMD1G). Identifiers: Orphanet 154, MedGen C1858763, MONDO:0011400, OMIM 604145.
TTN-related disorder. Also called: TTN-related condition; TTN-related disease; TTN-related disorders.

Allele frequency attached by ClinVar (database versions not stated): gnomAD exomes below 0.00001 and 0.00001; ExAC 0.00002.
gnomAD v4.1: 7 of 1,613,800 alleles (0.00043%); highest among the groups gnomAD compares: Middle Eastern, 0.016%; no homozygotes.

Submissions (7):

PreventionGenetics, part of Exact Sciences
Classification: Pathogenic for TTN-related condition. Last evaluated: 2026-02-12. Review status: criteria provided, single submitter. Criteria: ACMG Guidelines, 2015. Collection method: clinical testing. Allele origin: germline.
Comment: The TTN c.102523C>T variant is predicted to result in premature protein termination (p.Arg34175*). This variant occurs within the M-band region of the titin protein. RNAseq studies from heart tissue indicate this exon is commonly included in TTN mRNA transcripts (PSI of 100%, Roberts et al. 2015. PubMed ID: 25589632). Truncating TTN variants in constitutive exons (PSI > 90%) are significantly associated with dilated cardiomyopathy (DCM) irrespective of their position in TTN (Schafer et al. 2017. PubMed ID: 27869827). ACMG recommends reporting TTN truncating variants in highly expressed exons due to the significant risk of cardiomyopathy (see ACMG statement in Miller et al. 2021. PubMed ID: 34012068). TTN truncating variants show incomplete and age-dependent penetrance in relation to autosomal dominant dilated cardiomyopathy. This variant has been reported in the heterozygous state in multiple unrelated individuals with dilated cardiomyopathy (Table S2, Haskell et al. 2017. PubMed ID: 28611029; Table 2, Anderson et al. 2020. PubMed ID: 32998006; Supplementary Table IV, Bourfiss et al. 2022. PubMed ID: 36264615). This variant has also been reported in the compound heterozygous state in an individual presenting with congenital core myopathy combined with primary heart disease and in two siblings with rigid spine syndrome and respiratory difficulty (Chauveau et al. 2014. PubMed ID: 24105469; Park et al. 2017. PubMed ID: 27868403). Many cases of recessive TTN-related myopathies in which the individual is compound heterozygous for two loss of function variants in TTN have also been reported (See Ceyhan-Birsoy et al. 2013. PubMed ID: 23975875; Chauveau et al. 2014. PubMed ID: 24105469; Evilä et al. 2016. PubMed ID: 27796757; Ge et al. 2019. PubMed ID: 31053406). Taken together, the c.102523C>T (p.Arg34175*) variant is interpreted as pathogenic for recessive and dominant TTN-related disorders.

Ambry Genetics
Classification: Likely pathogenic for Cardiovascular phenotype. Last evaluated: 2026-01-29. Review status: criteria provided, single submitter. Criteria: Ambry Variant Classification Scheme 2023. Collection method: clinical testing. Allele origin: germline.
Comment: The p.R25110* variant (also known as c.75328C>T), located in coding exon 185 of the TTN gene, results from a C to T substitution at nucleotide position 75328. This changes the amino acid from an arginine to a stop codon within coding exon 185. This exon is located in the M-band region of the N2-B isoform of the titin protein and is constitutively expressed in TTN transcripts (percent spliced in or PSI 100%). This variant (also referred to as NM_001267550:c.102523C>T, p.R34175*) has been reported to co-occur with two other presumed truncating variants in TTN in individuals with childhood-onset skeletal myopathy with and without cardiomyopathy (Chauveau C et al. Hum Mol Genet, 2014 Feb;23:980-91; Park HJ et al. J Clin Neurol, 2017 Jan;13:116-118). This variant has also been detected in the presumed heterozygous state in an individual with dilated cardiomyopathy and in cohorts not selected for the presence of skeletal myopathy or cardiovascular disease; however, details were limited (Haggerty CM et al. Circulation. 2019 Jul;140(1):42-54; Haskell GT et al. Circ Cardiovasc Genet, 2017 Jun;10; Park J et al. Nat Med. 2021 Jan;27(1):66-72). This variant is considered to be rare based on population cohorts in the Genome Aggregation Database (gnomAD). This alteration is expected to result in loss of function by premature protein truncation or nonsense-mediated mRNA decay. While truncating variants in TTN are present in 1-3% of the general population, truncating variants in the M-band have been reported in association with autosomal recessive titinopathies, primarily presenting with skeletal myopathy phenotypes (Ceyhan-Birsoy O et al. Neurology. 2013 Oct 1;81(14):1205-14; De Cid R et al. Neurology. 2015;85(24):2126-35). Truncating variants in coding exon 185 of the M-band of the N2-B isoform have also been specifically associated with autosomal dominant dilated cardiomyopathy (Vatta M et al. Circ GenomPrecis Med. 2025 Feb:e004982). More generally, TTN truncating variants encoded in constitutive exons (PSI >90%) have been found to be significantly associated with dilated cardiomyopathy (DCM) regardless of their position, although truncating variants in the A-band are the most common cause of DCM (Herman DS et al. N. Engl. J. Med., 2012 Feb;366:619-28; Roberts AM et al. Sci Transl Med, 2015 Jan;7:270ra6; Schafer S et al. Nat. Genet., 2017 01;49:46-53; Akhtar MM et al. Circ Heart Fail, 2020 Oct;13:e006832; Massier M et al. Clin Genet, 2025 Jan). Based on the majority of available evidence to date, this variant is likely to be pathogenic in association with autosomal recessive titinopathy and autosomal dominant TTN-related dilated cardiomyopathy.

Genomic Medicine Center of Excellence, King Faisal Specialist Hospital and Research Centre
Classification: Pathogenic for Dilated cardiomyopathy 1G. Last evaluated: 2025-09-10. Review status: criteria provided, single submitter. Criteria: ACMG Guidelines, 2015. Collection method: clinical testing. Allele origin: germline.

Labcorp Genetics (formerly Invitae), Labcorp
Classification: Pathogenic for Dilated cardiomyopathy 1G; Autosomal recessive limb-girdle muscular dystrophy type 2J. Last evaluated: 2025-02-05. Review status: criteria provided, single submitter. Criteria: Invitae Variant Classification Sherloc (09022015). Collection method: clinical testing. Allele origin: germline.
Comment: This sequence change creates a premature translational stop signal (p.Arg34175*) in the TTN gene. While this is not anticipated to result in nonsense mediated decay, it is expected to create a truncated TTN protein. This variant is present in population databases (rs752697861, gnomAD 0.0009%). This premature translational stop signal has been observed in individuals with dilated cardiomyopathy, congenital myopathy, and/or muscular dystrophy with scoliosis (PMID: 24105469, 25163546, 27868403, 28611029, 32998006, 36264615). This variant is also known as c.C75904T, p.R25302X. ClinVar contains an entry for this variant (Variation ID: 464497). This variant is located in the M band of TTN (PMID: 25589632). Truncating variants in this region have been previously reported in individuals affected with autosomal dominant or autosomal recessive myopathy and muscular dystrophy (PMID: 18948003, 23975875, 24395473). Truncating variants in this region have also been identified in individuals affected with autosomal dominant dilated cardiomyopathy and/or cardio-related conditions (PMID: 27869827, 32964742, internal data). For these reasons, this variant has been classified as Pathogenic.

Department of Human Genetics, Hannover Medical School
Classification: Likely pathogenic for Dilated cardiomyopathy 1G. Last evaluated: 2023-10-24. Review status: criteria provided, single submitter. Criteria: ACMG Guidelines, 2015. Collection method: clinical testing. Allele origin: germline. Affected: yes.

Molecular Diagnostic Laboratory for Inherited Cardiovascular Disease, Montreal Heart Institute
Classification: Pathogenic for Cardiovascular phenotype. Last evaluated: 2023-05-24. Review status: criteria provided, single submitter. Criteria: ACMG Guidelines, 2015. Collection method: clinical testing. Allele origin: germline. Affected: yes.

Cardiogenetics and Myogenetics Molecular and Cellular Functional Unit, Aphp Sorbonne University-Hopital Pitie Salpetriere
Classification: Likely pathogenic for Dilated cardiomyopathy 1G. Last evaluated: 2024-01-06. Review status: no assertion criteria provided. Collection method: clinical testing. Allele origin: germline. Affected: yes. Not counted in ClinVar's aggregate classification.

Literature cited by the submitters: PubMed 24105469 (cited by Ambry Genetics and Labcorp Genetics (formerly Invitae), Labcorp); PubMed 27868403 (cited by Ambry Genetics and Labcorp Genetics (formerly Invitae), Labcorp); PubMed 28611029 (cited by Ambry Genetics and Labcorp Genetics (formerly Invitae), Labcorp); PubMed 31216868 (cited by Ambry Genetics); PubMed 33432171 (cited by Ambry Genetics); PubMed 25163546 (cited by Labcorp Genetics (formerly Invitae), Labcorp); PubMed 32998006 (cited by Labcorp Genetics (formerly Invitae), Labcorp); PubMed 36264615 (cited by Labcorp Genetics (formerly Invitae), Labcorp); PubMed 25589632 (cited by Labcorp Genetics (formerly Invitae), Labcorp); PubMed 18948003 (cited by Labcorp Genetics (formerly Invitae), Labcorp); PubMed 23975875 (cited by Labcorp Genetics (formerly Invitae), Labcorp); PubMed 24395473 (cited by Labcorp Genetics (formerly Invitae), Labcorp); PubMed 27869827 (cited by Labcorp Genetics (formerly Invitae), Labcorp); PubMed 32964742 (cited by Labcorp Genetics (formerly Invitae), Labcorp).